The following is an entry in ClinVar:

ClinVar aggregate classification (germline): Uncertain significance (1 of 4 stars; one submission).

Conditions:
Wolfram syndrome 1 (WFS1). Identifiers: Orphanet 3463, MedGen C4551693, MONDO:0009101, OMIM 222300.

Submission:

MVZ Medizinische Genetik Mainz
Classification: Uncertain significance for Wolfram syndrome 1. Last evaluated: 2025-11-03. Review status: criteria provided, single submitter. Criteria: UK Practice Guidelines For Variant Classification V4 01 2020. Collection method: clinical testing. Allele origin: germline. Inheritance: Autosomal recessive inheritance. Affected: yes. Observed: 1 variant allele.
Comment: ACMG Criteria: PM1_SUP,PM2_SUP,PP3

NM_006005.3(WFS1):c.1114G>A (p.Glu372Lys)

Gene: WFS1 (wolframin ER transmembrane glycoprotein; plus strand). Cytogenetic location: 4p16.1.
Variant type: single nucleotide variant.
Coding change: c.1114G>A on transcript NM_006005.3 (MANE Select); coding-DNA position 1114, G replaced by A.
Protein change: p.Glu372Lys; replaces glutamic acid 372 with lysine.
Molecular consequence: missense variant.
Genome position (GRCh38, 1-based): chr4:6,300,909, G>A. VCF-style: chr4-6300909-G-A. GRCh37 (hg19) VCF-style: chr4-6302636-G-A.
Other names: c.1114G>A, p.Glu372Lys (NM_001145853.1); short protein forms E372K.
Identifiers: ClinVar variation 4532205 (VCV004532205.1).